The following is an entry in ClinVar:

NM_003803.4(MYOM1):c.1646G>A (p.Cys549Tyr)

Gene: MYOM1 (myomesin 1; minus strand). Cytogenetic location: 18p11.31.
Variant type: single nucleotide variant.
Coding change: c.1646G>A on transcript NM_003803.4 (MANE Select); coding-DNA position 1646, G replaced by A.
Protein change: p.Cys549Tyr; replaces cysteine 549 with tyrosine.
Molecular consequence: missense variant.
Genome position (GRCh38, 1-based): chr18:3,151,891, C>T on the plus strand (G>A on the coding strand, the complement: MYOM1 is on the minus strand). VCF-style: chr18-3151891-C-T. GRCh37 (hg19) VCF-style: chr18-3151889-C-T.
Other names: c.1646G>A, p.Cys549Tyr (NM_019856.2); short protein forms C549Y.
Identifiers: ClinVar variation 3877137 (VCV003877137.1).

ClinVar aggregate classification (germline): Uncertain significance (1 of 4 stars; one submission).

gnomAD v4.1: 2 of 1,611,284 alleles (0.00012%); highest among the groups gnomAD compares: South Asian, 0.0022%; no homozygotes.

Submission:

Ambry Genetics
Classification: Uncertain significance. Last evaluated: 2025-01-06. Review status: criteria provided, single submitter. Criteria: Ambry Variant Classification Scheme 2023. Collection method: clinical testing. Allele origin: germline.
Comment: The p.C549Y variant (also known as c.1646G>A), located in coding exon 11 of the MYOM1 gene, results from a G to A substitution at nucleotide position 1646. The cysteine at codon 549 is replaced by tyrosine, an amino acid with highly dissimilar properties. This amino acid position is conserved. In addition, this alteration is predicted to be deleterious by in silico analysis. Based on the available evidence, the clinical significance of this variant remains unclear.